The following is an entry in ClinVar:

ClinVar aggregate classification (germline): Uncertain significance (1 of 4 stars; one submission).

Conditions:
Epileptic encephalopathy. Identifiers: MedGen C0543888, HP:0200134.

Submission:

Labcorp Genetics (formerly Invitae), Labcorp
Classification: Uncertain significance for Epileptic encephalopathy. Last evaluated: 2023-12-22. Review status: criteria provided, single submitter. Criteria: Invitae Variant Classification Sherloc (09022015). Collection method: clinical testing. Allele origin: germline.
Comment: This sequence change falls in intron 87 of the RYR3 gene. It does not directly change the encoded amino acid sequence of the RYR3 protein. It affects a nucleotide within the consensus splice site. This variant is not present in population databases (gnomAD no frequency). This variant has not been reported in the literature in individuals affected with RYR3-related conditions. ClinVar contains an entry for this variant (Variation ID: 1044799). Variants that disrupt the consensus splice site are a relatively common cause of aberrant splicing (PMID: 17576681, 9536098). Algorithms developed to predict the effect of sequence changes on RNA splicing suggest that this variant is not likely to affect RNA splicing. In summary, the available evidence is currently insufficient to determine the role of this variant in disease. Therefore, it has been classified as a Variant of Uncertain Significance.

Literature cited by the submitters: PubMed 17576681; PubMed 9536098.

NM_001036.6(RYR3):c.11568+5T>C

Gene: RYR3 (ryanodine receptor 3; plus strand). Cytogenetic location: 15q14.
Variant type: single nucleotide variant.
Coding change: c.11568+5T>C on transcript NM_001036.6 (MANE Select); 5 bases into the intron after coding-DNA position 11568, T replaced by C.
Molecular consequence: intron variant.
Genome position (GRCh38, 1-based): chr15:33,835,077, T>C. VCF-style: chr15-33835077-T-C. GRCh37 (hg19) VCF-style: chr15-34127278-T-C.
Other names: c.11553+5T>C (NM_001243996.4).
Identifiers: ClinVar variation 1044799 (VCV001044799.6), dbSNP rs751533922, ClinGen allele CA2169033120.